The following is an entry in ClinVar:

NM_020778.5(ALPK3):c.3980G>T (p.Gly1327Val)

Gene: ALPK3 (alpha kinase 3; plus strand). Cytogenetic location: 15q25.3.
Variant type: single nucleotide variant.
Coding change: c.3980G>T on transcript NM_020778.5 (MANE Select); coding-DNA position 3980, G replaced by T.
Protein change: p.Gly1327Val; replaces glycine 1327 with valine.
Molecular consequence: missense variant.
Genome position (GRCh38, 1-based): chr15:84,859,790, G>T. VCF-style: chr15-84859790-G-T. GRCh37 (hg19) VCF-style: chr15-85403021-G-T.
Other names: c.4586G>T (NM_020778.4); short protein forms G1327V.
Identifiers: ClinVar variation 2097420 (VCV002097420.6), dbSNP rs975488764, ClinGen allele CA273628878.
Genomic context (GRCh38, chr15:84,859,790, plus strand): 5'-CTGCCCCCATGCCATGGCCCTCACGAGTAGGGTCTCCACTCTGCAGCGCAGGGGATGAGG[G>T]GCCGGCGGCCTTGGCCATCGTGCAGGCCTCCCCCGTAGACTGCGGTGTGTATCGGTGCAC-3'
Protein context (NP_065829.4, residues 1317-1337): GEVGRSAGDE[Gly1327Val]PAALAIVQAS

ClinVar aggregate classification (germline): Uncertain significance. Review status: criteria provided, multiple submitters, no conflicts (2 of 4 stars). 2 submissions from 2 submitters: Uncertain significance (2). Last evaluated 2026-02-28.

Conditions:
Cardiovascular phenotype. Identifiers: MedGen CN230736.

Allele frequency attached by ClinVar (database versions not stated): TOPMed below 0.00001.

Submissions (2):

Ambry Genetics
Classification: Uncertain significance for Cardiovascular phenotype. Last evaluated: 2026-02-28. Review status: criteria provided, single submitter. Criteria: Ambry Variant Classification Scheme 2023. Collection method: clinical testing. Allele origin: germline.

Labcorp Genetics (formerly Invitae), Labcorp
Classification: Uncertain significance. Last evaluated: 2024-02-27. Review status: criteria provided, single submitter. Criteria: Invitae Variant Classification Sherloc (09022015). Collection method: clinical testing. Allele origin: germline.
Comment: This sequence change replaces glycine, which is neutral and non-polar, with valine, which is neutral and non-polar, at codon 1529 of the ALPK3 protein (p.Gly1529Val). This variant is not present in population databases (gnomAD no frequency). This variant has not been reported in the literature in individuals affected with ALPK3-related conditions. ClinVar contains an entry for this variant (Variation ID: 2097420). An algorithm developed to predict the effect of missense changes on protein structure and function (PolyPhen-2) suggests that this variant is likely to be disruptive. In summary, the available evidence is currently insufficient to determine the role of this variant in disease. Therefore, it has been classified as a Variant of Uncertain Significance.